The following is an entry in ClinVar:

NM_001164508.2(NEB):c.724del (p.Tyr242fs)

Gene: NEB (nebulin; minus strand). Cytogenetic location: 2q23.3.
Variant type: Deletion.
Coding change: c.724del on transcript NM_001164508.2 (MANE Select); coding-DNA position 724, one base deleted (T; older notation c.724delT).
Protein change: p.Tyr242fs; shifts the reading frame from tyrosine 242.
Molecular consequence: frameshift variant.
Genome position (GRCh38, 1-based): chr2:151,717,514, A deleted on the plus strand (T on the coding strand, the reverse complement: NEB is on the minus strand). VCF-style (leftmost placement, unchanged base first): chr2-151717513-TA-T. GRCh37 (hg19) VCF-style: chr2-152574027-TA-T.
Other names: c.724del, p.Tyr242fs (NM_001164507.2, NM_001271208.2, NM_004543.5); short protein forms Y242fs.
Identifiers: ClinVar variation 648486 (VCV000648486.6), dbSNP rs1577548638, ClinGen allele CA915942847.

ClinVar aggregate classification (germline): Pathogenic (1 of 4 stars; one submission).

Conditions:
Nemaline myopathy 2 (NEM2). Also called: Nemaline myopathy 2, autosomal recessive. Identifiers: MedGen C1850569, MONDO:0009725, OMIM 256030.

Submission:

Labcorp Genetics (formerly Invitae), Labcorp
Classification: Pathogenic for Nemaline myopathy 2. Last evaluated: 2018-12-13. Review status: criteria provided, single submitter. Criteria: Invitae Variant Classification Sherloc (09022015). Collection method: clinical testing. Allele origin: germline.
Comment: For these reasons, this variant has been classified as Pathogenic. Loss-of-function variants in NEB are known to be pathogenic (PMID: 25205138). This variant has not been reported in the literature in individuals with NEB-related conditions. This variant is not present in population databases (ExAC no frequency). This sequence change creates a premature translational stop signal (p.Tyr242Thrfs*21) in the NEB gene. It is expected to result in an absent or disrupted protein product.

Literature cited by the submitters: PubMed 25205138.